The following is an entry in ClinVar:

ClinVar aggregate classification (germline): Uncertain significance (1 of 4 stars; one submission).

Submission:

Labcorp Genetics (formerly Invitae), Labcorp
Classification: Uncertain significance. Last evaluated: 2022-07-25. Review status: criteria provided, single submitter. Criteria: Invitae Variant Classification Sherloc (09022015). Collection method: clinical testing. Allele origin: germline.
Comment: In summary, the available evidence is currently insufficient to determine the role of this variant in disease. Therefore, it has been classified as a Variant of Uncertain Significance. Algorithms developed to predict the effect of missense changes on protein structure and function are either unavailable or do not agree on the potential impact of this missense change (SIFT: "Deleterious"; PolyPhen-2: "Probably Damaging"; Align-GVGD: "Class C0"). This variant has not been reported in the literature in individuals affected with GPR179-related conditions. This variant is not present in population databases (gnomAD no frequency). This sequence change replaces tryptophan, which is neutral and slightly polar, with arginine, which is basic and polar, at codon 214 of the GPR179 protein (p.Trp214Arg).

NM_001004334.4(GPR179):c.640T>C (p.Trp214Arg)

Gene: GPR179 (G protein-coupled receptor 179; minus strand). Cytogenetic location: 17q12.
Variant type: single nucleotide variant.
Coding change: c.640T>C on transcript NM_001004334.4 (MANE Select); coding-DNA position 640, T replaced by C.
Protein change: p.Trp214Arg; replaces tryptophan 214 with arginine.
Molecular consequence: missense variant.
Genome position (GRCh38, 1-based): chr17:38,343,150, A>G on the plus strand (T>C on the coding strand, the complement: GPR179 is on the minus strand). VCF-style: chr17-38343150-A-G. GRCh37 (hg19) VCF-style: chr17-36499033-A-G.
Other names: short protein forms W214R.
Identifiers: ClinVar variation 2088870 (VCV002088870.4), dbSNP rs113876103, ClinGen allele CA290111434.